The following is an entry in ClinVar:

NM_001033855.3(DCLRE1C):c.835A>G (p.Arg279Gly)

Gene: DCLRE1C (DNA cross-link repair 1C; minus strand). Cytogenetic location: 10p13.
Variant type: single nucleotide variant.
Coding change: c.835A>G on transcript NM_001033855.3 (MANE Select); coding-DNA position 835, A replaced by G.
Protein change: p.Arg279Gly; replaces arginine 279 with glycine.
Molecular consequence: missense variant. On other transcripts: non-coding transcript variant (4).
Genome position (GRCh38, 1-based): chr10:14,928,098, T>C on the plus strand (A>G on the coding strand, the complement: DCLRE1C is on the minus strand). VCF-style: chr10-14928098-T-C. GRCh37 (hg19) VCF-style: chr10-14970097-T-C.
Other names: c.475A>G, p.Arg159Gly (NM_001033857.3, NM_001033858.3, NM_001289077.2 and 2 more transcripts); c.490A>G, p.Arg164Gly (NM_001289076.2, NM_001289078.2, NM_001350966.2 and 1 more transcripts); c.835A>G, p.Arg279Gly (NM_001350965.2); short protein forms R159G, R279G, R164G.
Identifiers: ClinVar variation 2015075 (VCV002015075.4), dbSNP rs2491947656, ClinGen allele CA376055995.

ClinVar aggregate classification (germline): Uncertain significance (1 of 4 stars; one submission).

Conditions:
Severe combined immunodeficiency due to DCLRE1C deficiency (RS-SCID). Also called: SCID, AUTOSOMAL RECESSIVE, T CELL-NEGATIVE, B CELL-NEGATIVE, NK CELL-POSITIVE, WITH SENSITIVITY TO IONIZING RADIATION. Identifiers: Orphanet 275, MedGen C1865371, MONDO:0011225, OMIM 602450.

Submission:

Labcorp Genetics (formerly Invitae), Labcorp
Classification: Uncertain significance for Athabaskan severe combined immunodeficiency. Last evaluated: 2022-07-16. Review status: criteria provided, single submitter. Criteria: Invitae Variant Classification Sherloc (09022015). Collection method: clinical testing. Allele origin: germline.
Comment: This sequence change replaces arginine, which is basic and polar, with glycine, which is neutral and non-polar, at codon 279 of the DCLRE1C protein (p.Arg279Gly). This variant is not present in population databases (gnomAD no frequency). This variant has not been reported in the literature in individuals affected with DCLRE1C-related conditions. Algorithms developed to predict the effect of missense changes on protein structure and function output the following: SIFT: "Tolerated"; PolyPhen-2: "Benign"; Align-GVGD: "Class C0". The glycine amino acid residue is found in multiple mammalian species, which suggests that this missense change does not adversely affect protein function. In summary, the available evidence is currently insufficient to determine the role of this variant in disease. Therefore, it has been classified as a Variant of Uncertain Significance.